The following is an entry in ClinVar:

NM_000057.4(BLM):c.2243del (p.Asn748fs)

Gene: BLM (BLM RecQ like helicase; plus strand). Cytogenetic location: 15q26.1.
Variant type: Deletion.
Coding change: c.2243del on transcript NM_000057.4 (MANE Select); coding-DNA position 2243, one base deleted (A; older notation c.2243delA).
Protein change: p.Asn748fs; shifts the reading frame from asparagine 748.
Molecular consequence: frameshift variant.
Genome position (GRCh38, 1-based): chr15:90,766,959, A deleted; the last of 3 consecutive A bases (chr15:90,766,957-90,766,959); deleting any one gives the same sequence. VCF-style (leftmost placement, unchanged base first): chr15-90766956-CA-C. GRCh37 (hg19) VCF-style: chr15-91310186-CA-C.
Other names: c.2243del, p.Asn748fs (NM_001287246.2, NM_001287247.2); c.1118del, p.Asn373fs (NM_001287248.2); short protein forms N748fs, N373fs.
Identifiers: ClinVar variation 1788308 (VCV001788308.2), dbSNP rs2505447089, ClinGen allele CA2580090574.

ClinVar aggregate classification (germline): Pathogenic (1 of 4 stars; one submission).

Conditions:
Hereditary cancer-predisposing syndrome. Also called: Neoplastic Syndromes, Hereditary; Tumor predisposition; Hereditary Cancer Syndrome; Hereditary neoplastic syndrome. Identifiers: Orphanet 140162, MedGen C0027672, MeSH D009386, MONDO:0015356.

Submission:

Ambry Genetics
Classification: Pathogenic for Hereditary cancer-predisposing syndrome. Last evaluated: 2022-04-19. Review status: criteria provided, single submitter. Criteria: Ambry Variant Classification Scheme 2023. Collection method: clinical testing. Allele origin: germline.
Comment: The c.2243delA pathogenic mutation, located in coding exon 9 of the BLM gene, results from a deletion of one nucleotide at nucleotide position 2243, causing a translational frameshift with a predicted alternate stop codon (p.N748Ifs*13). This variant is considered to be rare based on population cohorts in the Genome Aggregation Database (gnomAD). This alteration is expected to result in loss of function by premature protein truncation or nonsense-mediated mRNA decay. As such, this alteration is interpreted as a disease-causing mutation.